The following is an entry in ClinVar:

ClinVar aggregate classification (germline): Uncertain significance (1 of 4 stars; one submission).

Conditions:
Familial hemiplegic migraine. Identifiers: MedGen C0338484, MONDO:0000700.

Allele frequency attached by ClinVar (database versions not stated): gnomAD exomes 0.00001.
gnomAD v4.1: 5 of 1,614,208 alleles (0.00031%); highest among the groups gnomAD compares: Non-Finnish European, 0.00042%; no homozygotes.

Submission:

Labcorp Genetics (formerly Invitae), Labcorp
Classification: Uncertain significance for Familial hemiplegic migraine. Last evaluated: 2020-03-06. Review status: criteria provided, single submitter. Criteria: Invitae Variant Classification Sherloc (09022015). Collection method: clinical testing. Allele origin: germline.
Comment: In summary, the available evidence is currently insufficient to determine the role of this variant in disease. Therefore, it has been classified as a Variant of Uncertain Significance. Algorithms developed to predict the effect of sequence changes on RNA splicing suggest that this variant may create or strengthen a splice site, but this prediction has not been confirmed by published transcriptional studies. Algorithms developed to predict the effect of missense changes on protein structure and function are either unavailable or do not agree on the potential impact of this missense change (SIFT: "Deleterious"; PolyPhen-2: "Benign"; Align-GVGD: "Class C65"). This variant has not been reported in the literature in individuals with ATP1A2-related conditions. This variant is not present in population databases (ExAC no frequency). This sequence change replaces glycine with valine at codon 50 of the ATP1A2 protein (p.Gly50Val). The glycine residue is highly conserved and there is a moderate physicochemical difference between glycine and valine.

NM_000702.4(ATP1A2):c.149G>T (p.Gly50Val)

Gene: ATP1A2 (ATPase Na+/K+ transporting subunit alpha 2; plus strand). Cytogenetic location: 1q23.2.
Variant type: single nucleotide variant.
Coding change: c.149G>T on transcript NM_000702.4 (MANE Select); coding-DNA position 149, G replaced by T.
Protein change: p.Gly50Val; replaces glycine 50 with valine.
Molecular consequence: missense variant.
Genome position (GRCh38, 1-based): chr1:160,121,223, G>T. VCF-style: chr1-160121223-G-T. GRCh37 (hg19) VCF-style: chr1-160091013-G-T.
Other names: short protein forms G50V.
Identifiers: ClinVar variation 660927 (VCV000660927.10), dbSNP rs1570983300, ClinGen allele CA343228694.